The following is an entry in ClinVar:

ClinVar aggregate classification (germline): Uncertain significance (1 of 4 stars; one submission).

gnomAD v4.1: 1 of 1,613,532 alleles (0.000062%); highest among the groups gnomAD compares: South Asian, 0.0011%; no homozygotes.

Submission:

GeneDx
Classification: Uncertain significance. Last evaluated: 2024-06-27. Review status: criteria provided, single submitter. Criteria: GeneDx Variant Classification Process June 2021. Collection method: clinical testing. Allele origin: germline. Affected: yes.
Comment: Not observed at significant frequency in large population cohorts (gnomAD); In silico analysis supports that this missense variant has a deleterious effect on protein structure/function; Has not been previously published as pathogenic or benign to our knowledge

NM_001244008.2(KIF1A):c.1353G>T (p.Lys451Asn)

Gene: KIF1A (kinesin family member 1A; minus strand). Cytogenetic location: 2q37.3.
Variant type: single nucleotide variant.
Coding change: c.1353G>T on transcript NM_001244008.2 (MANE Select); coding-DNA position 1353, G replaced by T.
Protein change: p.Lys451Asn; replaces lysine 451 with asparagine.
Molecular consequence: missense variant.
Genome position (GRCh38, 1-based): chr2:240,769,695, C>A on the plus strand (G>T on the coding strand, the complement: KIF1A is on the minus strand). VCF-style: chr2-240769695-C-A. GRCh37 (hg19) VCF-style: chr2-241709112-C-A.
Other names: c.1353G>T, p.Lys451Asn (NM_001320705.2, NM_001330289.2, NM_001379638.1); c.1428G>T, p.Lys476Asn (NM_001330290.2, NM_001379631.1, NM_001379634.1 and 2 more transcripts); c.1326G>T, p.Lys442Asn (NM_001379632.1, NM_001379633.1, NM_001379636.1 and 10 more transcripts); c.1401G>T, p.Lys467Asn (NM_001379637.1, NM_001379648.1); short protein forms K442N, K451N, K467N, K476N.
Identifiers: ClinVar variation 3392585 (VCV003392585.1).